The following is an entry in ClinVar:

NM_004360.5(CDH1):c.2509G>C (p.Gly837Arg)

Gene: CDH1 (cadherin 1; plus strand). Cytogenetic location: 16q22.1.
Variant type: single nucleotide variant.
Coding change: c.2509G>C on transcript NM_004360.5 (MANE Select); coding-DNA position 2509, G replaced by C.
Protein change: p.Gly837Arg; replaces glycine 837 with arginine.
Molecular consequence: missense variant.
Genome position (GRCh38, 1-based): chr16:68,833,359, G>C. VCF-style: chr16-68833359-G-C. GRCh37 (hg19) VCF-style: chr16-68867262-G-C.
Other names: c.2326G>C, p.Gly776Arg (NM_001317184.2); c.961G>C, p.Gly321Arg (NM_001317185.2); c.544G>C, p.Gly182Arg (NM_001317186.2); short protein forms G837R, G321R, G776R, G182R.
Identifiers: ClinVar variation 3998783 (VCV003998783.2).

ClinVar aggregate classification (germline): Uncertain significance (1 of 4 stars; one submission).

Conditions:
Hereditary cancer-predisposing syndrome. Also called: Neoplastic Syndromes, Hereditary; Tumor predisposition; Hereditary Cancer Syndrome; Hereditary neoplastic syndrome. Identifiers: Orphanet 140162, MedGen C0027672, MeSH D009386, MONDO:0015356.

Submission:

Ambry Genetics
Classification: Uncertain significance for Hereditary cancer-predisposing syndrome. Last evaluated: 2026-04-13. Review status: criteria provided, single submitter. Criteria: Ambry Variant Classification Scheme 2023. Collection method: clinical testing. Allele origin: germline.
Comment: The p.G837R variant (also known as c.2509G>C), located in coding exon 16 of the CDH1 gene, results from a G to C substitution at nucleotide position 2509. The glycine at codon 837 is replaced by arginine, an amino acid with dissimilar properties. This amino acid position is highly conserved in available vertebrate species. In addition, this alteration is predicted to be deleterious by in silico analysis. Based on the available evidence, the clinical significance of this variant remains unclear.